The following is an entry in ClinVar:

ClinVar aggregate classification (germline): Uncertain significance. Review status: criteria provided, multiple submitters, no conflicts (2 of 4 stars). 3 submissions from 3 submitters: Uncertain significance (3). Last evaluated 2026-07-02.

Conditions:
Familial cancer of breast. Also called: hereditary breast carcinoma; BREAST CANCER, FAMILIAL; Hereditary breast cancer. Identifiers: Orphanet 227535, MedGen C0346153, MONDO:0016419, OMIM 114480. Disease mechanism: loss of function.
Hereditary cancer-predisposing syndrome. Also called: Neoplastic Syndromes, Hereditary; Hereditary Cancer Syndrome; Hereditary neoplastic syndrome; Tumor predisposition. Identifiers: Orphanet 140162, MedGen C0027672, MeSH D009386, MONDO:0015356.

Submissions (3):

Ambry Genetics
Classification: Uncertain significance for Hereditary cancer-predisposing syndrome. Last evaluated: 2026-07-02. Review status: criteria provided, single submitter. Criteria: Ambry Variant Classification Scheme 2023. Collection method: clinical testing. Allele origin: germline.
Comment: The p.T827I variant (also known as c.2480C>T), located in coding exon 5 of the PALB2 gene, results from a C to T substitution at nucleotide position 2480. The threonine at codon 827 is replaced by isoleucine, an amino acid with similar properties. This amino acid position is conserved. In addition, this alteration is predicted to be tolerated by in silico analysis. Based on the available evidence, the clinical significance of this variant remains unclear.

GeneDx
Classification: Uncertain significance. Last evaluated: 2022-07-14. Review status: criteria provided, single submitter. Criteria: GeneDx Variant Classification Process June 2021. Collection method: clinical testing. Allele origin: germline. Affected: yes.
Comment: Not observed at significant frequency in large population cohorts (gnomAD); In silico analysis supports that this missense variant does not alter protein structure/function; Has not been previously published as pathogenic or benign to our knowledge; This variant is associated with the following publications: (PMID: 24485656)

Labcorp Genetics (formerly Invitae), Labcorp
Classification: Uncertain significance for Familial cancer of breast. Last evaluated: 2022-02-11. Review status: criteria provided, single submitter. Criteria: Invitae Variant Classification Sherloc (09022015). Collection method: clinical testing. Allele origin: germline.
Comment: ClinVar contains an entry for this variant (Variation ID: 663260). Algorithms developed to predict the effect of missense changes on protein structure and function (SIFT, PolyPhen-2, Align-GVGD) all suggest that this variant is likely to be tolerated. In summary, the available evidence is currently insufficient to determine the role of this variant in disease. Therefore, it has been classified as a Variant of Uncertain Significance. This sequence change replaces threonine, which is neutral and polar, with isoleucine, which is neutral and non-polar, at codon 827 of the PALB2 protein (p.Thr827Ile). This variant is not present in population databases (gnomAD no frequency). This variant has not been reported in the literature in individuals affected with PALB2-related conditions.

NM_024675.4(PALB2):c.2480C>T (p.Thr827Ile)

Gene: PALB2 (partner and localizer of BRCA2; minus strand). Cytogenetic location: 16p12.2.
Variant type: single nucleotide variant.
Coding change: c.2480C>T on transcript NM_024675.4 (MANE Select); coding-DNA position 2480, C replaced by T.
Protein change: p.Thr827Ile; replaces threonine 827 with isoleucine.
Molecular consequence: missense variant.
Genome position (GRCh38, 1-based): chr16:23,629,674, G>A on the plus strand (C>T on the coding strand, the complement: PALB2 is on the minus strand). VCF-style: chr16-23629674-G-A. GRCh37 (hg19) VCF-style: chr16-23640995-G-A.
Other names: short protein forms T827I.
Identifiers: ClinVar variation 663260 (VCV000663260.11), dbSNP rs1597088802, ClinGen allele CA395124035.
Genomic context (GRCh38, chr16:23,629,674, plus strand): 5'-AATTTCACAGAGGAAATGGATTGTACCTGTTCGACGGAATGTTTATGCAGCTCCTGGCAT[G>A]TGTTTCTACAGAGCTGATTTTCTTTAAAAGTGAATGACTCAATGGGTGGAGGTGTTCCTG-3'
Protein context (NP_078951.2, residues 817-837): TFKENQLCRN[Thr827Ile]CQELHKHSVE